The following is an entry in ClinVar:

ClinVar aggregate classification (germline): Uncertain significance (1 of 4 stars; one submission).

Conditions:
Familial cancer of breast. Also called: BREAST CANCER, FAMILIAL; Hereditary breast cancer; hereditary breast carcinoma. Identifiers: Orphanet 227535, MedGen C0346153, MONDO:0016419, OMIM 114480. Disease mechanism: loss of function.

Submission:

Labcorp Genetics (formerly Invitae), Labcorp
Classification: Uncertain significance for Familial cancer of breast. Last evaluated: 2024-05-08. Review status: criteria provided, single submitter. Criteria: Invitae Variant Classification Sherloc (09022015). Collection method: clinical testing. Allele origin: germline.
Comment: This sequence change replaces proline, which is neutral and non-polar, with threonine, which is neutral and polar, at codon 532 of the PALB2 protein (p.Pro532Thr). Information on the frequency of this variant in the gnomAD database is not available, as this variant may be reported differently in the database. This variant has not been reported in the literature in individuals affected with PALB2-related conditions. ClinVar contains an entry for this variant (Variation ID: 410136). Experimental studies and prediction algorithms are not available or were not evaluated, and the functional significance of this variant is currently unknown. In summary, the available evidence is currently insufficient to determine the role of this variant in disease. Therefore, it has been classified as a Variant of Uncertain Significance.

NM_024675.4(PALB2):c.1593_1594delinsAA (p.Pro532Thr)

Gene: PALB2 (partner and localizer of BRCA2; minus strand). Cytogenetic location: 16p12.2.
Variant type: Indel.
Coding change: c.1593_1594delinsAA on transcript NM_024675.4 (MANE Select); coding-DNA positions 1593 to 1594, GC replaced by AA.
Protein change: p.Pro532Thr; replaces proline 532 with threonine.
Molecular consequence: missense variant.
Genome position (GRCh38, 1-based): chr16:23,634,952-23,634,953, GC replaced by TT on the plus strand (GC replaced by AA on the coding strand, the reverse complement: PALB2 is on the minus strand). VCF-style: chr16-23634952-GC-TT. GRCh37 (hg19) VCF-style: chr16-23646273-GC-TT.
Other names: c.1593_1594delGCinsAA (NM_024675.3); short protein forms P532T.
Identifiers: ClinVar variation 410136 (VCV000410136.9), dbSNP rs1060502753, ClinGen allele CA16615258.